The following is an entry in ClinVar:

NM_000531.6(OTC):c.121G>A (p.Asp41Asn)

Gene: OTC (ornithine transcarbamylase; plus strand). Cytogenetic location: Xp11.4.
Variant type: single nucleotide variant.
Coding change: c.121G>A on transcript NM_000531.6 (MANE Select); coding-DNA position 121, G replaced by A.
Protein change: p.Asp41Asn; replaces aspartic acid 41 with asparagine.
Molecular consequence: missense variant.
Genome position (GRCh38, 1-based): chrX:38,367,334, G>A. VCF-style: chrX-38367334-G-A. GRCh37 (hg19) VCF-style: chrX-38226587-G-A.
Other names: c.121G>A, p.Asp41Asn (NM_001407092.1); short protein forms D41N.
Identifiers: ClinVar variation 4076725 (VCV004076725.1).
Genomic context (GRCh38, chrX:38,367,334, plus strand): 5'-TAAATCTCTTTTTACAGGTGTGGACAACCACTACAAAATAAAGTGCAGCTGAAGGGCCGT[G>A]ACCTTCTCACTCTAAAAAACTTTACCGGAGAAGAAATTAAATATATGCTATGGCTATCAG-3'
Protein context (NP_000522.3, residues 31-51): LQNKVQLKGR[Asp41Asn]LLTLKNFTGE

ClinVar aggregate classification (germline): Uncertain significance (1 of 4 stars; one submission).

Submission:

GeneDx
Classification: Uncertain significance. Last evaluated: 2025-02-20. Review status: criteria provided, single submitter. Criteria: GeneDx Variant Classification Process June 2021. Collection method: clinical testing. Allele origin: germline. Affected: yes.
Comment: Not observed at significant frequency in large population cohorts (gnomAD); In silico analysis indicates that this missense variant does not alter protein structure/function; Published functional studies support that this variant is not associated with impaired OTC activity (PMID: 37146589); This variant is associated with the following publications: (PMID: 37146589)